The following is an entry in ClinVar:

NM_001854.4(COL11A1):c.1760G>A (p.Gly587Glu)

Gene: COL11A1 (collagen type XI alpha 1 chain; minus strand). Cytogenetic location: 1p21.1.
Variant type: single nucleotide variant.
Coding change: c.1760G>A on transcript NM_001854.4 (MANE Select); coding-DNA position 1760, G replaced by A.
Protein change: p.Gly587Glu; replaces glycine 587 with glutamic acid.
Molecular consequence: missense variant. On other transcripts: non-coding transcript variant (1).
Genome position (GRCh38, 1-based): chr1:103,006,099, C>T on the plus strand (G>A on the coding strand, the complement: COL11A1 is on the minus strand). VCF-style: chr1-103006099-C-T. GRCh37 (hg19) VCF-style: chr1-103471655-C-T.
Other names: c.1643G>A, p.Gly548Glu (NM_001190709.2); c.1796G>A, p.Gly599Glu (NM_080629.3); c.1412G>A, p.Gly471Glu (NM_080630.4); short protein forms G548E, G599E, G471E, G587E.
Identifiers: ClinVar variation 1496090 (VCV001496090.6), dbSNP rs2101852715, ClinGen allele CA341173953.

ClinVar aggregate classification (germline): Uncertain significance (1 of 4 stars; one submission).

Submission:

Labcorp Genetics (formerly Invitae), Labcorp
Classification: Uncertain significance. Last evaluated: 2023-08-10. Review status: criteria provided, single submitter. Criteria: Invitae Variant Classification Sherloc (09022015). Collection method: clinical testing. Allele origin: germline.
Comment: This sequence change replaces glycine, which is neutral and non-polar, with glutamic acid, which is acidic and polar, at codon 587 of the COL11A1 protein (p.Gly587Glu). This variant is not present in population databases (gnomAD no frequency). This variant has not been reported in the literature in individuals affected with COL11A1-related conditions. ClinVar contains an entry for this variant (Variation ID: 1496090). Advanced modeling of protein sequence and biophysical properties (such as structural, functional, and spatial information, amino acid conservation, physicochemical variation, residue mobility, and thermodynamic stability) performed at Invitae indicates that this missense variant is not expected to disrupt COL11A1 protein function. In summary, the available evidence is currently insufficient to determine the role of this variant in disease. Therefore, it has been classified as a Variant of Uncertain Significance.